The following is an entry in ClinVar:

NM_000455.5(STK11):c.374+4T>C

Gene: STK11 (serine/threonine kinase 11; plus strand). Cytogenetic location: 19p13.3.
Variant type: single nucleotide variant.
Coding change: c.374+4T>C on transcript NM_000455.5 (MANE Select); 4 bases into the intron after coding-DNA position 374, T replaced by C.
Molecular consequence: intron variant.
Genome position (GRCh38, 1-based): chr19:1,218,504, T>C. VCF-style: chr19-1218504-T-C. GRCh37 (hg19) VCF-style: chr19-1218503-T-C.
Other names: c.374+4T>C (NM_001407255.1).
Identifiers: ClinVar variation 4694008 (VCV004694008.1).
Genomic context (GRCh38, chr19:1,218,504, plus strand): 5'-GCACAAAAATGTCATCCAGCTGGTGGATGTGTTATACAACGAAGAGAAGCAGAAAATATA[T>C]CCTTTCCGGTGTTGGGACCGCGGGGCCTCCGTGGGAGGGGCTGGGGCCCTGGGTCCGCCT-3'

ClinVar aggregate classification (germline): Uncertain significance (1 of 4 stars; one submission).

Conditions:
Peutz-Jeghers syndrome (PJS). Also called: POLYPOSIS, HAMARTOMATOUS INTESTINAL; POLYPS-AND-SPOTS SYNDROME; Peutz-Jeghers polyposis; Periorificial lentiginosis syndrome. Identifiers: Orphanet 2869, MedGen C0031269, MeSH D010580, MONDO:0008280, OMIM 175200.

Submission:

Labcorp Genetics (formerly Invitae), Labcorp
Classification: Uncertain significance for Peutz-Jeghers syndrome. Last evaluated: 2025-11-10. Review status: criteria provided, single submitter. Criteria: Invitae Variant Classification Sherloc (09022015). Collection method: clinical testing. Allele origin: germline.
Comment: This sequence change falls in intron 2 of the STK11 gene. It does not directly change the encoded amino acid sequence of the STK11 protein. It affects a nucleotide within the consensus splice site. This variant is not present in population databases (gnomAD no frequency). This variant has not been reported in the literature in individuals affected with STK11-related conditions. Variants that disrupt the consensus splice site are a relatively common cause of aberrant splicing (PMID: 17576681, 9536098). RNA analysis provides insufficient evidence to determine the effect of this variant on STK11 splicing (internal data). In summary, the available evidence is currently insufficient to determine the role of this variant in disease. Therefore, it has been classified as a Variant of Uncertain Significance.

Literature cited by the submitters: PubMed 17576681; PubMed 9536098.